The following is an entry in ClinVar:

ClinVar aggregate classification (germline): Uncertain significance (1 of 4 stars; one submission).

Submission:

Ambry Genetics
Classification: Uncertain significance. Last evaluated: 2020-09-09. Review status: criteria provided, single submitter. Criteria: Ambry Variant Classification Scheme 2023. Collection method: clinical testing. Allele origin: germline.
Comment: The p.V547L variant (also known as c.1639G>C), located in coding exon 16 of the KIF1B gene, results from a G to C substitution at nucleotide position 1639. The amino acid change results in valine to leucine at codon 547, an amino acid with highly similar properties. This amino acid position is highly conserved in available vertebrate species. In addition, the in silico prediction for this alteration is inconclusive. Since supporting evidence is limited at this time, the clinical significance of this alteration remains unclear.

NM_001365951.3(KIF1B):c.1777G>C (p.Val593Leu)

Gene: KIF1B (kinesin family member 1B; plus strand). Cytogenetic location: 1p36.22.
Variant type: single nucleotide variant.
Coding change: c.1777G>C on transcript NM_001365951.3 (MANE Select); coding-DNA position 1777, G replaced by C.
Protein change: p.Val593Leu; replaces valine 593 with leucine.
Molecular consequence: missense variant.
Genome position (GRCh38, 1-based): chr1:10,295,766, G>C. VCF-style: chr1-10295766-G-C. GRCh37 (hg19) VCF-style: chr1-10355824-G-C.
Other names: c.1777G>C, p.Val593Leu (NM_001365952.1); c.1639G>C, p.Val547Leu (NM_001365953.1, NM_015074.3, NM_183416.4); short protein forms V593L, V547L.
Identifiers: ClinVar variation 1776992 (VCV001776992.2), dbSNP rs2521391514, ClinGen allele CA338315279.
Genomic context (GRCh38, chr1:10,295,766, plus strand): 5'-GGGGCTCACATTAAAGAAGAGCATTGTATCTTCCGGAGTGAGAGAAGCAACAGCGGGGAA[G>C]GTGAGCATTCCTGGCTGGAGCTTCAGCAACAACATTTTCATTTTATATTATGAGAAATCC-3'
Protein context (NP_001352880.1, residues 583-603): FRSERSNSGE[Val593Leu]IVTLEPCERS